The following is an entry in ClinVar:

ClinVar aggregate classification (germline): Uncertain significance (1 of 4 stars; one submission).

Submission:

CeGaT Center for Human Genetics Tuebingen
Classification: Uncertain significance. Last evaluated: 2025-12-01. Review status: criteria provided, single submitter. Criteria: CeGaT Center For Human Genetics Tuebingen Variant Classification Criteria Version 2. Collection method: clinical testing. Allele origin: germline. Affected: yes. Observed: 1 variant allele.
Comment: TRRAP: PM2, BP4

NM_001375524.1(TRRAP):c.4404+4A>G

Gene: TRRAP (transformation/transcription domain associated protein; plus strand). Cytogenetic location: 7q22.1.
Variant type: single nucleotide variant.
Coding change: c.4404+4A>G on transcript NM_001375524.1 (MANE Select); 4 bases into the intron after coding-DNA position 4404, A replaced by G.
Molecular consequence: intron variant.
Genome position (GRCh38, 1-based): chr7:98,937,824, A>G. VCF-style: chr7-98937824-A-G. GRCh37 (hg19) VCF-style: chr7-98535447-A-G.
Other names: c.4404+4A>G (NM_001244580.2, NM_003496.4).
Identifiers: ClinVar variation 4681842 (VCV004681842.5).